The following is an entry in ClinVar:

NM_001723.7(DST):c.6632C>A (p.Ala2211Glu)

Gene: DST (dystonin; minus strand). Cytogenetic location: 6p12.1.
Variant type: single nucleotide variant.
Coding change: c.6632C>A on transcript NM_001723.7 (MANE Plus Clinical); coding-DNA position 6632, C replaced by A.
Protein change: p.Ala2211Glu; replaces alanine 2211 with glutamic acid.
Molecular consequence: missense variant. On other transcripts: intron variant (10).
Genome position (GRCh38, 1-based): chr6:56,616,835, G>T on the plus strand (C>A on the coding strand, the complement: DST is on the minus strand). VCF-style: chr6-56616835-G-T. GRCh37 (hg19) VCF-style: chr6-56481633-G-T.
Other names: c.4831-2351C>A (NM_001144769.5); c.4930-2351C>A (NM_001374722.1, NM_001374736.1); c.4957-2351C>A (NM_001374734.1); c.4417-2351C>A (NM_001144770.2); c.4297-2351C>A (NM_001374730.1, NM_001386100.1, NM_183380.4 and 1 more transcripts); c.3319-2351C>A (NM_015548.5); short protein forms A2211E.
Identifiers: ClinVar variation 3346636 (VCV003346636.1).

ClinVar aggregate classification (germline): Uncertain significance (0 of 4 stars; one submission).

Conditions:
DST-related disorder. Also called: DST-related condition; DST-related disorders.

gnomAD v4.1: 9 of 1,614,072 alleles (0.00056%); highest among the groups gnomAD compares: South Asian, 0.0099%; no homozygotes.

Submission:

PreventionGenetics, part of Exact Sciences
Classification: Uncertain significance for DST-related condition. Last evaluated: 2024-07-25. Review status: no assertion criteria provided. Collection method: clinical testing. Allele origin: germline.
Comment: The DST c.6632C>A variant is predicted to result in the amino acid substitution p.Ala2211Glu. To our knowledge, this variant has not been reported in the literature. This variant is reported in 0.0098% of alleles in individuals of South Asian descent in gnomAD. At this time, the clinical significance of this variant is uncertain due to the absence of conclusive functional and genetic evidence.